The following is an entry in ClinVar:

NM_001012426.2(FOXP4):c.1934A>G (p.Glu645Gly)

Gene: FOXP4 (forkhead box P4; plus strand). Cytogenetic location: 6p21.1.
Variant type: single nucleotide variant.
Coding change: c.1934A>G on transcript NM_001012426.2 (MANE Select); coding-DNA position 1934, A replaced by G.
Protein change: p.Glu645Gly; replaces glutamic acid 645 with glycine.
Molecular consequence: missense variant.
Genome position (GRCh38, 1-based): chr6:41,598,827, A>G. VCF-style: chr6-41598827-A-G. GRCh37 (hg19) VCF-style: chr6-41566565-A-G.
Other names: c.1928A>G, p.Glu643Gly (NM_001012427.2); c.1898A>G, p.Glu633Gly (NM_001405824.1); c.1838A>G, p.Glu613Gly (NM_001405825.1); c.1802A>G, p.Glu601Gly (NM_001405826.1); c.1895A>G, p.Glu632Gly (NM_138457.3); short protein forms E601G, E613G, E632G, E633G, E643G, E645G.
Identifiers: ClinVar variation 4083235 (VCV004083235.1).
Genomic context (GRCh38, chr6:41,598,827, plus strand): 5'-CCATGCCATACTTTTGCCTCAGCCACCAGGTGCAGGTGAAGGAGGAGCCAGCAGAGGCAG[A>G]GGAAGACAGGCAGCCCGGGCCTCCCCTGGGCGCCCCTAACCCCAGCGCCTCGGGGCCTCC-3'
Protein context (NP_001012426.1, residues 635-655): VQVKEEPAEA[Glu645Gly]EDRQPGPPLG

ClinVar aggregate classification (germline): Uncertain significance (1 of 4 stars; one submission).

Submission:

GeneDx
Classification: Uncertain significance. Last evaluated: 2025-03-12. Review status: criteria provided, single submitter. Criteria: GeneDx Variant Classification Process June 2021. Collection method: clinical testing. Allele origin: germline. Affected: yes.
Comment: Not observed at significant frequency in large population cohorts (gnomAD); In silico analysis supports that this missense variant has a deleterious effect on protein structure/function; In silico analysis is inconclusive as to whether the variant alters gene splicing. In the absence of RNA/functional studies, the actual effect of this sequence change is unknown.; Has not been previously published as pathogenic or benign to our knowledge